The following is an entry in ClinVar:

NM_001130987.2(DYSF):c.1034-196C>G

Gene: DYSF (dysferlin; plus strand). Cytogenetic location: 2p13.2.
Variant type: single nucleotide variant.
Coding change: c.1034-196C>G on transcript NM_001130987.2 (MANE Select); 196 bases into the intron before coding-DNA position 1034, C replaced by G.
Molecular consequence: intron variant.
Genome position (GRCh38, 1-based): chr2:71,520,593, C>G. VCF-style: chr2-71520593-C-G. GRCh37 (hg19) VCF-style: chr2-71747723-C-G.
Other names: c.1031-196C>G (NM_001130979.2, NM_001130981.2, NM_001130980.2); c.938-196C>G (NM_001130978.2, NM_003494.4, NM_001130977.2 and 1 more transcripts); c.1034-196C>G (NM_001130982.2, NM_001130985.2); c.941-196C>G (NM_001130983.2, NM_001130455.2, NM_001130984.2 and 1 more transcripts).
Identifiers: ClinVar variation 679413 (VCV000679413.1), dbSNP rs12713754, ClinGen allele CA11118017.

ClinVar aggregate classification (germline): Benign (1 of 4 stars; one submission).

Allele frequency attached by ClinVar (database versions not stated): 1000 Genomes Project 0.56350; 1000 Genomes Project 30x 0.57230; gnomAD 0.65676; TOPMed 0.67623.
gnomAD v4.1: 101,891 of 152,096 alleles (67%); highest among the groups gnomAD compares: African/African-American, 76%; 35,028 homozygotes.

Submission:

GeneDx
Classification: Benign. Last evaluated: 2018-06-14. Review status: criteria provided, single submitter. Criteria: GeneDx Variant Classification (06012015). Collection method: clinical testing. Allele origin: germline. Affected: yes.
Comment: This variant is considered likely benign or benign based on one or more of the following criteria: it is a conservative change, it occurs at a poorly conserved position in the protein, it is predicted to be benign by multiple in silico algorithms, and/or has population frequency not consistent with disease.